The following is an entry in ClinVar:

NM_003482.4(KMT2D):c.5231G>A (p.Ser1744Asn)

Gene: KMT2D (lysine methyltransferase 2D; minus strand). Cytogenetic location: 12q13.12.
Variant type: single nucleotide variant.
Coding change: c.5231G>A on transcript NM_003482.4 (MANE Select); coding-DNA position 5231, G replaced by A.
Protein change: p.Ser1744Asn; replaces serine 1744 with asparagine.
Molecular consequence: missense variant.
Genome position (GRCh38, 1-based): chr12:49,043,956, C>T on the plus strand (G>A on the coding strand, the complement: KMT2D is on the minus strand). VCF-style: chr12-49043956-C-T. GRCh37 (hg19) VCF-style: chr12-49437739-C-T.
Other names: short protein forms S1744N.
Identifiers: ClinVar variation 1302359 (VCV001302359.11), dbSNP rs377119237, ClinGen allele CA6547583.

ClinVar aggregate classification (germline): Conflicting classifications of pathogenicity. Review status: criteria provided, conflicting classifications (1 of 4 stars). 4 submissions from 4 submitters: Uncertain significance (1); Benign (1); Likely benign (2). Last evaluated 2026-06-15.

Conditions:
Kabuki syndrome. Also called: NIIKAWA-KUROKI SYNDROME; Kabuki make-up syndrome. Identifiers: Orphanet 2322, MedGen C0796004, MONDO:0016512.
KMT2D-related disorder. Also called: KMT2D-Related Disorders.

Allele frequency attached by ClinVar (database versions not stated): gnomAD exomes 0.00001 and 0.00007; ExAC 0.00002; gnomAD 0.00003 and 0.00004; TOPMed 0.00003; ESP Exome Variant Server 0.00008.

Submissions (4):

PreventionGenetics, part of Exact Sciences
Classification: Likely benign for KMT2D-related condition. Last evaluated: 2026-06-15. Review status: criteria provided, single submitter. Criteria: ACMG Guidelines, 2015. Collection method: clinical testing. Allele origin: germline.
Comment: This variant is classified as likely benign based on ACMG/AMP sequence variant interpretation guidelines (Richards et al. 2015 PMID: 25741868, with internal and published modifications).

CeGaT Center for Human Genetics Tuebingen
Classification: Likely benign. Last evaluated: 2026-02-01. Review status: criteria provided, single submitter. Criteria: CeGaT Center For Human Genetics Tuebingen Variant Classification Criteria Version 2. Collection method: clinical testing. Allele origin: germline. Affected: yes. Observed: 1 variant allele.
Comment: KMT2D: BP4, BS2

Labcorp Genetics (formerly Invitae), Labcorp
Classification: Benign for Kabuki syndrome. Last evaluated: 2025-09-29. Review status: criteria provided, single submitter. Criteria: Invitae Variant Classification Sherloc (09022015). Collection method: clinical testing. Allele origin: germline.

GeneDx
Classification: Uncertain significance. Last evaluated: 2020-10-26. Review status: criteria provided, single submitter. Criteria: GeneDx Variant Classification Process June 2021. Collection method: clinical testing. Allele origin: germline. Affected: yes.
Comment: In silico analysis supports that this missense variant does not alter protein structure/function; Has not been previously published as pathogenic or benign to our knowledge